The following is an entry in ClinVar:

NM_138295.5(PKD1L1):c.2954C>T (p.Thr985Ile)

Gene: PKD1L1 (polycystin 1 like 1, transient receptor potential channel interacting; minus strand). Cytogenetic location: 7p12.3.
Variant type: single nucleotide variant.
Coding change: c.2954C>T on transcript NM_138295.5 (MANE Select); coding-DNA position 2954, C replaced by T.
Protein change: p.Thr985Ile; replaces threonine 985 with isoleucine.
Molecular consequence: missense variant.
Genome position (GRCh38, 1-based): chr7:47,885,937, G>A on the plus strand (C>T on the coding strand, the complement: PKD1L1 is on the minus strand). VCF-style: chr7-47885937-G-A. GRCh37 (hg19) VCF-style: chr7-47925535-G-A.
Other names: short protein forms T985I.
Identifiers: ClinVar variation 777628 (VCV000777628.12), dbSNP rs76044743, ClinGen allele CA4253582.

ClinVar aggregate classification (germline): Benign. Review status: criteria provided, multiple submitters, no conflicts (2 of 4 stars). 3 submissions from 3 submitters: Benign (2). 1 of the submissions does not count toward it. Last evaluated 2026-02-01.

Conditions:
PKD1L1-related disorder. Also called: PKD1L1-related condition.

Allele frequency attached by ClinVar (database versions not stated): gnomAD exomes 0.00820 and 0.00825; ExAC 0.00895; 1000 Genomes Project 0.00978; 1000 Genomes Project 30x 0.01124; gnomAD 0.01447 and 0.01530; TOPMed 0.01596; ESP Exome Variant Server 0.01638.
gnomAD v4.1: 14,269 of 1,614,204 alleles (0.88%); highest among the groups gnomAD compares: African/African-American, 3%; 95 homozygotes.

Submissions (3):

Labcorp Genetics (formerly Invitae), Labcorp
Classification: Benign. Last evaluated: 2026-02-01. Review status: criteria provided, single submitter. Criteria: Invitae Variant Classification Sherloc (09022015). Collection method: clinical testing. Allele origin: germline.

Breakthrough Genomics
Classification: Benign. Review status: criteria provided, single submitter. Criteria: ACMG Guidelines, 2015. Collection method: not provided. Allele origin: germline. Inheritance: Autosomal recessive inheritance. Affected: yes.

PreventionGenetics, part of Exact Sciences
Classification: Benign for PKD1L1-related condition. Last evaluated: 2023-07-13. Review status: no assertion criteria provided. Collection method: clinical testing. Allele origin: germline. Not counted in ClinVar's aggregate classification.
Comment: This variant is classified as benign based on ACMG/AMP sequence variant interpretation guidelines (Richards et al. 2015 PMID: 25741868, with internal and published modifications).